The following is an entry in ClinVar:

ClinVar aggregate classification (germline): Uncertain significance (1 of 4 stars; one submission).

Conditions:
Hereditary cancer-predisposing syndrome. Also called: Hereditary neoplastic syndrome; Neoplastic Syndromes, Hereditary; Tumor predisposition; Hereditary Cancer Syndrome. Identifiers: Orphanet 140162, MedGen C0027672, MeSH D009386, MONDO:0015356.

Submission:

Ambry Genetics
Classification: Uncertain significance for Hereditary cancer-predisposing syndrome. Last evaluated: 2025-01-30. Review status: criteria provided, single submitter. Criteria: Ambry Variant Classification Scheme 2023. Collection method: clinical testing. Allele origin: germline.
Comment: The p.W337* variant (also known as c.1010G>A), located in coding exon 4 of the ALK gene, results from a G to A substitution at nucleotide position 1010. This changes the amino acid from a tryptophan to a stop codon within coding exon 4. This alteration is expected to result in protein truncation or nonsense-mediated mRNA decay. However, loss of function of ALK has not been established as a mechanism of disease. Based on the available evidence, the clinical significance of this alteration remains unclear.

NM_004304.5(ALK):c.1010G>A (p.Trp337Ter)

Gene: ALK (ALK receptor tyrosine kinase; minus strand). Cytogenetic location: 2p23.2.
Variant type: single nucleotide variant.
Coding change: c.1010G>A on transcript NM_004304.5 (MANE Select); coding-DNA position 1010, G replaced by A.
Protein change: p.Trp337Ter; replaces tryptophan 337 with a stop codon.
Molecular consequence: nonsense.
Genome position (GRCh38, 1-based): chr2:29,532,059, C>T on the plus strand (G>A on the coding strand, the complement: ALK is on the minus strand). VCF-style: chr2-29532059-C-T. GRCh37 (hg19) VCF-style: chr2-29754925-C-T.
Other names: short protein forms W337*.
Identifiers: ClinVar variation 3855239 (VCV003855239.1).